The following is an entry in ClinVar:

NM_001382273.1(TNK2):c.2815_2817del (p.Ser939del)

Gene: TNK2 (tyrosine kinase non receptor 2; minus strand). Cytogenetic location: 3q29.
Variant type: Deletion.
Coding change: c.2815_2817del on transcript NM_001382273.1 (MANE Select); coding-DNA positions 2815 to 2817, 3 bases deleted (TCC; older notation c.2815_2817delTCC).
Protein change: p.Ser939del; deletes serine 939.
Molecular consequence: inframe deletion. On other transcripts: non-coding transcript variant (15).
Genome position (GRCh38, 1-based): chr3:195,867,481-195,867,483, GGA deleted on the plus strand (TCC on the coding strand, the reverse complement: TNK2 is on the minus strand); deleting any 3 consecutive bases within chr3:195,867,481-195,867,484 gives the same sequence; the c. name uses the placement nearest the transcript's 3' end. VCF-style (leftmost placement, unchanged base first): chr3-195867480-TGGA-T. GRCh37 (hg19) VCF-style: chr3-195594351-TGGA-T.
Other names: c.2887_2889del, p.Ser963del (NM_001010938.2, NM_001382272.1); c.2866_2868del, p.Ser956del (NM_001308046.2, NM_001382271.1); c.2815_2817del, p.Ser939del (NM_001382274.1, NM_001387716.1, NM_001387717.1 and 1 more transcripts); c.2911_2913del, p.Ser971del (NM_001382275.1, NM_001387707.1); c.2770_2772del, p.Ser924del (NM_001386164.1, NM_001387709.1, NM_001387710.1 and 8 more transcripts); c.2842_2844del, p.Ser948del (NM_001387708.1, NM_001387715.1); short protein forms S939del, S948del, S924del, S963del, S956del, S971del.
Identifiers: ClinVar variation 4742472 (VCV004742472.1).
Genomic context (GRCh38, chr3:195,867,480, plus strand): 5'-GTGGCAGCCGAGCAGTGGCCCTCGGGGGTGGTGGCCGGGCCCCTGGGTTGCTGTTGTTGG[TGGA>T]GAAGTTGGCCTTGGGGTCCAAGGCAGCCTGGGGCATCGGCCGCACGGTGGCCGTGGGGGC-3'

ClinVar aggregate classification (germline): Uncertain significance (1 of 4 stars; one submission).

Submission:

Labcorp Genetics (formerly Invitae), Labcorp
Classification: Uncertain significance. Last evaluated: 2025-04-08. Review status: criteria provided, single submitter. Criteria: Invitae Variant Classification Sherloc (09022015). Collection method: clinical testing. Allele origin: germline.
Comment: This variant, c.3004_3006del, results in the deletion of 1 amino acid(s) of the TNK2 protein (p.Ser1002del), but otherwise preserves the integrity of the reading frame. This variant is present in population databases (rs760480326, gnomAD 0.03%). This variant has not been reported in the literature in individuals affected with TNK2-related conditions. Experimental studies and prediction algorithms are not available or were not evaluated, and the functional significance of this variant is currently unknown. In summary, the available evidence is currently insufficient to determine the role of this variant in disease. Therefore, it has been classified as a Variant of Uncertain Significance.